The following is an entry in ClinVar:

ClinVar aggregate classification (germline): Uncertain significance (1 of 4 stars; one submission).

Conditions:
Familial thoracic aortic aneurysm and aortic dissection (TAAD). Also called: Thoracic aortic aneurysms and dissections. Identifiers: Orphanet 91387, MedGen C4707243, MONDO:0019625.

Allele frequency attached by ClinVar (database versions not stated): TOPMed below 0.00001; gnomAD 0.00001; gnomAD exomes 0.00001.
gnomAD v4.1: 12 of 1,613,014 alleles (0.00074%); highest among the groups gnomAD compares: Non-Finnish European, 0.001%; no homozygotes.

Submission:

Ambry Genetics
Classification: Uncertain significance for Familial thoracic aortic aneurysm and aortic dissection. Last evaluated: 2023-02-23. Review status: criteria provided, single submitter. Criteria: Ambry Variant Classification Scheme 2023. Collection method: clinical testing. Allele origin: germline.
Comment: The p.Y967N variant (also known as c.2899T>A), located in coding exon 18 of the NOTCH1 gene, results from a T to A substitution at nucleotide position 2899. The tyrosine at codon 967 is replaced by asparagine, an amino acid with dissimilar properties. This amino acid position is conserved. In addition, this alteration is predicted to be deleterious by in silico analysis. Since supporting evidence is limited at this time, the clinical significance of this alteration remains unclear.

NM_017617.5(NOTCH1):c.2899T>A (p.Tyr967Asn)

Gene: NOTCH1 (notch receptor 1; minus strand). Cytogenetic location: 9q34.3.
Variant type: single nucleotide variant.
Coding change: c.2899T>A on transcript NM_017617.5 (MANE Select); coding-DNA position 2899, T replaced by A.
Protein change: p.Tyr967Asn; replaces tyrosine 967 with asparagine.
Molecular consequence: missense variant.
Genome position (GRCh38, 1-based): chr9:136,509,803, A>T on the plus strand (T>A on the coding strand, the complement: NOTCH1 is on the minus strand). VCF-style: chr9-136509803-A-T. GRCh37 (hg19) VCF-style: chr9-139404255-A-T.
Other names: short protein forms Y967N.
Identifiers: ClinVar variation 2477915 (VCV002477915.2), dbSNP rs1419456641, ClinGen allele CA375553590.